The following is an entry in ClinVar:

ClinVar aggregate classification (germline): Uncertain significance (1 of 4 stars; one submission).

gnomAD v4.1: 3 of 1,614,078 alleles (0.00019%); highest among the groups gnomAD compares: Non-Finnish European, 0.00025%; no homozygotes.

Submission:

Labcorp Genetics (formerly Invitae), Labcorp
Classification: Uncertain significance. Last evaluated: 2025-02-03. Review status: criteria provided, single submitter. Criteria: Invitae Variant Classification Sherloc (09022015). Collection method: clinical testing. Allele origin: germline.
Comment: This sequence change replaces lysine, which is basic and polar, with isoleucine, which is neutral and non-polar, at codon 77 of the RTN4IP1 protein (p.Lys77Ile). This variant is not present in population databases (gnomAD no frequency). This variant has not been reported in the literature in individuals affected with RTN4IP1-related conditions. ClinVar contains an entry for this variant (Variation ID: 1004796). Invitae Evidence Modeling of protein sequence and biophysical properties (such as structural, functional, and spatial information, amino acid conservation, physicochemical variation, residue mobility, and thermodynamic stability) indicates that this missense variant is expected to disrupt RTN4IP1 protein function with a positive predictive value of 80%. In summary, the available evidence is currently insufficient to determine the role of this variant in disease. Therefore, it has been classified as a Variant of Uncertain Significance.

NM_032730.5(RTN4IP1):c.230A>T (p.Lys77Ile)

Gene: RTN4IP1 (reticulon 4 interacting protein 1; minus strand). Cytogenetic location: 6q21.
Variant type: single nucleotide variant.
Coding change: c.230A>T on transcript NM_032730.5 (MANE Select); coding-DNA position 230, A replaced by T.
Protein change: p.Lys77Ile; replaces lysine 77 with isoleucine.
Molecular consequence: missense variant. On other transcripts: intron variant (1).
Genome position (GRCh38, 1-based): chr6:106,628,792, T>A on the plus strand (A>T on the coding strand, the complement: RTN4IP1 is on the minus strand). VCF-style: chr6-106628792-T-A. GRCh37 (hg19) VCF-style: chr6-107076667-T-A.
Other names: c.-27+1535A>T (NM_001318746.1); short protein forms K77I.
Identifiers: ClinVar variation 1004796 (VCV001004796.7), dbSNP rs770685237, ClinGen allele CA365168438.